The following is an entry in ClinVar:

NM_016519.6(AMBN):c.1325G>A (p.Trp442Ter)

Gene: AMBN (ameloblastin; plus strand). Cytogenetic location: 4q13.3.
Variant type: single nucleotide variant.
Coding change: c.1325G>A on transcript NM_016519.6 (MANE Select); coding-DNA position 1325, G replaced by A.
Protein change: p.Trp442Ter; replaces tryptophan 442 with a stop codon.
Molecular consequence: nonsense.
Genome position (GRCh38, 1-based): chr4:70,606,711, G>A. VCF-style: chr4-70606711-G-A. GRCh37 (hg19) VCF-style: chr4-71472428-G-A.
Other names: short protein forms W442*.
Identifiers: ClinVar variation 1315999 (VCV001315999.2), dbSNP rs1737666421, ClinGen allele CA357141521.

ClinVar aggregate classification (germline): Uncertain significance (1 of 4 stars; one submission).

Allele frequency attached by ClinVar (database versions not stated): gnomAD exomes below 0.00001; TOPMed 0.00001.
gnomAD v4.1: 1 of 1,612,638 alleles (0.000062%); highest among the groups gnomAD compares: Admixed American, 0.0017%; no homozygotes.

Submission:

GeneDx
Classification: Uncertain significance. Last evaluated: 2021-01-15. Review status: criteria provided, single submitter. Criteria: GeneDx Variant Classification Process June 2021. Collection method: clinical testing. Allele origin: germline. Affected: yes.
Comment: Not observed in large population cohorts (Lek et al., 2016); Nonsense variant predicted to result in protein truncation as the last 6 amino acids are lost, although loss-of-function variants have not been reported downstream of this position in the protein; Has not been previously published as pathogenic or benign to our knowledge